The following is an entry in ClinVar:

NM_030665.4(RAI1):c.980C>G (p.Ala327Gly)

Gene: RAI1 (retinoic acid induced 1; plus strand). Cytogenetic location: 17p11.2.
Variant type: single nucleotide variant.
Coding change: c.980C>G on transcript NM_030665.4 (MANE Select); coding-DNA position 980, C replaced by G.
Protein change: p.Ala327Gly; replaces alanine 327 with glycine.
Molecular consequence: missense variant.
Genome position (GRCh38, 1-based): chr17:17,793,928, C>G. VCF-style: chr17-17793928-C-G. GRCh37 (hg19) VCF-style: chr17-17697242-C-G.
Other names: short protein forms A327G.
Identifiers: ClinVar variation 436494 (VCV000436494.9), dbSNP rs1555565043, ClinGen allele CA398546634.
Genomic context (GRCh38, chr17:17,793,928, plus strand): 5'-ACCTCGCCAAGTATCAGCACTACGGGCAGCAAGGCCAGGGCTACTGCCAGCCGGACGCAG[C>G]CGTCCGGACCCCAGAGCAGTACTACCAGACCTTCAGCCCCAGCTCCAGCCACTCACCCGC-3'
Protein context (NP_109590.3, residues 317-337): QGQGYCQPDA[Ala327Gly]VRTPEQYYQT

ClinVar aggregate classification (germline): Conflicting classifications of pathogenicity. Review status: criteria provided, conflicting classifications (1 of 4 stars). 2 submissions from 2 submitters: Uncertain significance (1); Likely benign (1). Last evaluated 2024-10-21.

Allele frequency attached by ClinVar (database versions not stated): TOPMed below 0.00001.

Submissions (2):

Labcorp Genetics (formerly Invitae), Labcorp
Classification: Uncertain significance. Last evaluated: 2024-10-21. Review status: criteria provided, single submitter. Criteria: Invitae Variant Classification Sherloc (09022015). Collection method: clinical testing. Allele origin: germline.
Comment: This sequence change replaces alanine, which is neutral and non-polar, with glycine, which is neutral and non-polar, at codon 327 of the RAI1 protein (p.Ala327Gly). This variant is not present in population databases (gnomAD no frequency). This variant has not been reported in the literature in individuals affected with RAI1-related conditions. ClinVar contains an entry for this variant (Variation ID: 436494). Invitae Evidence Modeling of protein sequence and biophysical properties (such as structural, functional, and spatial information, amino acid conservation, physicochemical variation, residue mobility, and thermodynamic stability) indicates that this missense variant is not expected to disrupt RAI1 protein function with a negative predictive value of 80%. In summary, the available evidence is currently insufficient to determine the role of this variant in disease. Therefore, it has been classified as a Variant of Uncertain Significance.

Genetic Services Laboratory, University of Chicago
Classification: Likely benign. Last evaluated: 2015-11-04. Review status: criteria provided, single submitter. Criteria: ACMG Guidelines, 2015. Collection method: clinical testing. Allele origin: germline. Affected: no.